The following is an entry in ClinVar:

NM_001035.3(RYR2):c.10220C>T (p.Ser3407Leu)

Gene: RYR2 (ryanodine receptor 2; plus strand). Cytogenetic location: 1q43.
Variant type: single nucleotide variant.
Coding change: c.10220C>T on transcript NM_001035.3 (MANE Select); coding-DNA position 10220, C replaced by T.
Protein change: p.Ser3407Leu; replaces serine 3407 with leucine.
Molecular consequence: missense variant.
Genome position (GRCh38, 1-based): chr1:237,709,557, C>T. VCF-style: chr1-237709557-C-T. GRCh37 (hg19) VCF-style: chr1-237872857-C-T.
Other names: short protein forms S3407L.
Identifiers: ClinVar variation 970461 (VCV000970461.53), dbSNP rs780287361, ClinGen allele CA063466.

ClinVar aggregate classification (germline): Conflicting classifications of pathogenicity. Review status: criteria provided, conflicting classifications (1 of 4 stars). 5 submissions from 5 submitters: Uncertain significance (4); Likely benign (1). Last evaluated 2026-03-27.

Conditions:
Catecholaminergic polymorphic ventricular tachycardia 1. Also called: VENTRICULAR TACHYCARDIA, CATECHOLAMINERGIC POLYMORPHIC, 1, WITH OR WITHOUT ATRIAL DYSFUNCTION AND/OR DILATED CARDIOMYOPATHY; VENTRICULAR TACHYCARDIA, STRESS-INDUCED POLYMORPHIC 1; RYR2-Related Catecholaminergic Polymorphic Ventricular Tachycardia. Identifiers: Orphanet 3286, MedGen C1631597, MONDO:0011484, OMIM 604772.
Cardiovascular phenotype. Identifiers: MedGen CN230736.
Cardiomyopathy (CMYO). Also called: Cardiomyopathies. Identifiers: Orphanet 167848, MedGen C0878544, MONDO:0004994, HP:0001638. Inheritance: Various modes of inheritance.

Allele frequency attached by ClinVar (database versions not stated): gnomAD 0.00001; TOPMed 0.00001; ExAC 0.00002; gnomAD exomes 0.00002.

Submissions (5):

Molecular Diagnostic Laboratory for Inherited Cardiovascular Disease, Montreal Heart Institute
Classification: Uncertain significance for Cardiovascular phenotype. Last evaluated: 2026-03-27. Review status: criteria provided, single submitter. Criteria: ACMG Guidelines, 2015. Collection method: clinical testing. Allele origin: germline. Affected: yes.
Comment: PM2, PP2

Color Diagnostics, LLC DBA Color Health
Classification: Uncertain significance for Cardiomyopathy. Last evaluated: 2025-08-11. Review status: criteria provided, single submitter. Criteria: ACMG Guidelines, 2015. Collection method: clinical testing. Allele origin: germline.
Comment: This missense variant replaces serine with leucine at codon 3407 of the RYR2 protein. Computational prediction is inconclusive regarding the impact of this variant on protein structure and function. To our knowledge, functional studies have not been reported for this variant. This variant has not been reported in individuals affected with RYR2-related disorders in the literature. This variant has been identified in 5/241170 chromosomes in the general population by the Genome Aggregation Database (gnomAD). The available evidence is insufficient to determine the role of this variant in disease conclusively. Therefore, this variant is classified as a Variant of Uncertain Significance.

Labcorp Genetics (formerly Invitae), Labcorp
Classification: Likely benign for Catecholaminergic polymorphic ventricular tachycardia 1. Last evaluated: 2025-07-13. Review status: criteria provided, single submitter. Criteria: Invitae Variant Classification Sherloc (09022015). Collection method: clinical testing. Allele origin: germline.

Blueprint Genetics
Classification: Uncertain significance. Last evaluated: 2024-08-15. Review status: criteria provided, single submitter. Criteria: ACMG Guidelines, 2015. Collection method: clinical testing. Allele origin: germline.

GeneDx
Classification: Uncertain significance. Last evaluated: 2023-02-02. Review status: criteria provided, single submitter. Criteria: GeneDx Variant Classification Process June 2021. Collection method: clinical testing. Allele origin: germline. Affected: yes.
Comment: Not observed at significant frequency in large population cohorts (gnomAD); In silico analysis supports that this missense variant has a deleterious effect on protein structure/function; Has not been previously published as pathogenic or benign to our knowledge